The following is an entry in ClinVar:

NM_001042492.3(NF1):c.1588G>A (p.Val530Ile)

Gene: NF1 (neurofibromin 1; plus strand). Cytogenetic location: 17q11.2.
Variant type: single nucleotide variant.
Coding change: c.1588G>A on transcript NM_001042492.3 (MANE Select); coding-DNA position 1588, G replaced by A.
Protein change: p.Val530Ile; replaces valine 530 with isoleucine.
Molecular consequence: missense variant.
Genome position (GRCh38, 1-based): chr17:31,219,065, G>A. VCF-style: chr17-31219065-G-A. GRCh37 (hg19) VCF-style: chr17-29546083-G-A.
Other names: c.1588G>A, p.Val530Ile (NM_000267.4, NM_001128147.3); short protein forms V530I.
Identifiers: ClinVar variation 141369 (VCV000141369.30), dbSNP rs145191978, ClinGen allele CA165238.

ClinVar aggregate classification (germline): Conflicting classifications of pathogenicity. Review status: criteria provided, conflicting classifications (1 of 4 stars). 12 submissions from 11 submitters: Uncertain significance (3); Likely benign (8). 1 of the submissions does not count toward it. Last evaluated 2026-01-21.

Conditions:
Cardiovascular phenotype. Identifiers: MedGen CN230736.
Hereditary cancer-predisposing syndrome. Also called: Tumor predisposition; Neoplastic Syndromes, Hereditary; Hereditary neoplastic syndrome; Hereditary Cancer Syndrome. Identifiers: Orphanet 140162, MedGen C0027672, MeSH D009386, MONDO:0015356.
NF1-related disorder. Also called: NF1-related condition. Identifiers: MedGen CN379171.
Neurofibromatosis, type 1 (NF1). Also called: NEUROFIBROMATOSIS, TYPE I, SOMATIC; VON RECKLINGHAUSEN DISEASE; Peripheral type neurofibromatosis; Neurofibromatosis, type I. Identifiers: Orphanet 636, MedGen C0027831, MONDO:0018975, OMIM 162200. Disease mechanism: loss of function.
Neurofibromatosis-Noonan syndrome (NFNS). Also called: NEUROFIBROMATOSIS WITH NOONAN PHENOTYPE. Identifiers: Orphanet 638, MedGen C2931482, MONDO:0011035, OMIM 601321. Disease mechanism: loss of function.
Café-au-lait macules with pulmonary stenosis (WTSN). Also called: PULMONIC STENOSIS WITH CAFE-AU-LAIT SPOTS. Identifiers: MedGen C0553586, MONDO:0008672, OMIM 193520.
Neurofibromatosis, familial spinal (FSNF). Identifiers: Orphanet 636, MedGen C1834235, MONDO:0008078, OMIM 162210. Disease mechanism: loss of function.
Juvenile myelomonocytic leukemia (JMML). Also called: LEUKEMIA, JUVENILE MYELOMONOCYTIC, SOMATIC. Identifiers: Orphanet 86834, MedGen C0349639, MONDO:0011908, OMIM 607785, HP:0012209.

Allele frequency attached by ClinVar (database versions not stated): gnomAD exomes 0.00008 and 0.00020; ESP Exome Variant Server 0.00015; ExAC 0.00005; gnomAD 0.00005; TOPMed 0.00007.

Submissions (12):

Labcorp Genetics (formerly Invitae), Labcorp
Classification: Likely benign for Neurofibromatosis, type 1. Last evaluated: 2026-01-21. Review status: criteria provided, single submitter. Criteria: Invitae Variant Classification Sherloc (09022015). Collection method: clinical testing. Allele origin: germline.

Women's Health and Genetics/Laboratory Corporation of America, LabCorp
Classification: Likely benign. Last evaluated: 2025-10-08. Review status: criteria provided, single submitter. Criteria: LabCorp Variant Classification Summary - May 2015. Collection method: clinical testing. Allele origin: germline.
Comment: Variant summary: NF1 c.1588G>A (p.Val530Ile) results in a conservative amino acid change in the encoded protein sequence. Algorithms developed to predict the effect of missense changes on protein structure and function are either unavailable or do not agree on the potential impact of this missense change. The variant allele was found at a frequency of 0.00019 in 1461588 control chromosomes, predominantly at a frequency of 0.00025 within the Non-Finnish European subpopulation in the gnomAD database. The observed variant frequency within Non-Finnish European control individuals in the gnomAD database exceeds the estimated maximal expected allele frequency for disease-causing variants in NF1. To our knowledge, no occurrence of c.1588G>A in individuals affected with NF1-related conditions and no experimental evidence demonstrating its impact on protein function have been reported. The following publication has been ascertained in the context of this evaluation (PMID: 23407919). ClinVar contains an entry for this variant (Variation ID: 141369). Based on the evidence outlined above, the variant was classified as likely benign.

ARUP Laboratories, Molecular Genetics and Genomics, ARUP Laboratories
Classification: Uncertain significance. Last evaluated: 2025-07-30. Review status: criteria provided, single submitter. Criteria: ARUP Molecular Germline Variant Investigation Process 2024. Collection method: clinical testing. Allele origin: germline.
Comment: The NF1 c.1588G>A; p.Val530Ile variant (rs145191978, ClinVar Variation ID: 141369), is reported in the literature in one individual with pheochromocytoma, but did not have any other NF1 related symptoms, and carried another variant in a different gene that likely explains the phenotype (Sjursen 2013). Additionally, this variant has been reported in a kidney and genitourinary disorder cohort (Rasouly 2019). This variant is found primarily in the non-Finnish European population with an allele frequency of 0.01% (19/128,982 alleles) in the Genome Aggregation Database (v2.1.1). Computational analyses are uncertain whether this variant is neutral or deleterious (REVEL: 0.692). While the high population frequency suggests that this is likely a benign variant, given the lack of clinical and functional data, the significance of this variant is uncertain at this time. References: Rasouly HM et al. The Burden of Candidate Pathogenic Variants for Kidney and Genitourinary Disorders Emerging From Exome Sequencing. Ann Intern Med. 2019 Jan 1;170(1):11-21. PMID: 30476936. Sjursen W et al. Mutation screening in a Norwegian cohort with pheochromocytoma. Fam Cancer. 2013 Sep;12(3):529-35. PMID: 23407919.

PreventionGenetics, part of Exact Sciences
Classification: Likely benign for NF1-related condition. Last evaluated: 2025-02-17. Review status: criteria provided, single submitter. Criteria: ACMG Guidelines, 2015. Collection method: clinical testing. Allele origin: germline.
Comment: This variant is classified as likely benign based on ACMG/AMP sequence variant interpretation guidelines (Richards et al. 2015 PMID: 25741868, with internal and published modifications).

Fulgent Genetics
Classification: Likely benign for Neurofibromatosis, type 1; Neurofibromatosis, familial spinal; Café-au-lait macules with pulmonary stenosis; Neurofibromatosis-Noonan syndrome; Juvenile myelomonocytic leukemia. Last evaluated: 2024-03-27. Review status: criteria provided, single submitter. Criteria: ACMG Guidelines, 2015. Collection method: clinical testing. Allele origin: germline.

Quest Diagnostics Nichols Institute San Juan Capistrano
Classification: Likely benign. Last evaluated: 2023-05-08. Review status: criteria provided, single submitter. Criteria: Quest Diagnostics criteria. Collection method: clinical testing. Allele origin: unknown.
Comment: The frequency of this variant in the general population is higher than would generally be expected for pathogenic variants in this gene. This variant has been identified in at least one clinically healthy individual. This variant has been seen where an alternate explanation for disease was also identified.

Sema4
Classification: Uncertain significance for Hereditary cancer-predisposing syndrome. Last evaluated: 2021-12-19. Review status: criteria provided, single submitter. Criteria: Sema4 Curation Guidelines. Collection method: curation. Allele origin: germline.
Comment: The NF1 c.1588G>A (p.V530I) variant has been reported in heterozygosity in at least one individual with pheochromocytomas (PMID: 23407919). However this patient also carried another pathogenic variant in SDHB (PMID: 23407919). It has been reported in a large breast cancer case-control study in 15/60466 cases and 10/53461 controls (PMID: 33471991). It was observed in 19/128982 chromosomes of the Non-Finnish European (NFE) subpopulation, with no homozygotes, in the large and broad cohorts of the Genome Aggregation Database (PMID: 32461654). This variant has been reported in ClinVar (Variation ID: 141369). Functional studies have not been performed, and in silico predictions of the variant's effect on protein function are inconclusive. The evidence is insufficient to meet ACMG/AMP criteria for classifying the variant as benign or pathogenic. Thus, the clinical significance of this variant is currently uncertain.

St. Jude Molecular Pathology, St. Jude Children's Research Hospital
Classification: Uncertain significance for Neurofibromatosis, type 1. Last evaluated: 2021-11-11. Review status: criteria provided, single submitter. Criteria: St. Jude Assertion Criteria 2020. Collection method: clinical testing. Allele origin: germline.
Comment: The NF1 c.1588G>A (p.Val530Ile) missense change has a maximum subpopulation frequency of 0.015% in gnomAD v2.1.1. In silico tools are not in agreement about the effect of this variant on protein function, but to our knowledge these predictions have not been confirmed by functional assays. This variant occurs in a gene where missense variants are more likely to be damaging based on methods described by Lek et al. (PP2; PMID: 27535533). This variant has been observed in an individual with pheochromocytoma who also harbored a pathogenic variant in SDHB (BP5; PMID: 23407919). To our knowledge, this variant has not been reported in individuals with Neurofibromatosis type 1. In summary, this variant meets criteria to be classified as of uncertain significance based on the ACMG/AMP criteria: PP2, BP5.

GeneDx
Classification: Likely benign. Last evaluated: 2020-09-01. Review status: criteria provided, single submitter. Criteria: GeneDx Variant Classification Process June 2021. Collection method: clinical testing. Allele origin: germline. Affected: yes.
Comment: This variant is associated with the following publications: (PMID: 23407919)

Ambry Genetics
Classification: Likely benign for Cardiovascular phenotype; Hereditary cancer-predisposing syndrome. Last evaluated: 2019-06-27. Review status: criteria provided, single submitter. Criteria: Ambry Variant Classification Scheme 2023. Collection method: clinical testing. Allele origin: germline.

Ambry Genetics
Classification: Likely benign for Hereditary cancer-predisposing syndrome. Last evaluated: 2015-09-23. Review status: criteria provided, single submitter. Criteria: Ambry Autosomal Dominant and X-Linked criteria (10/2015). Collection method: clinical testing. Allele origin: germline. Observed: 1 variant allele.
Comment: Co-occurence with a mutation in another gene that clearly explains a proband's phenotype;In silico models in agreement (deleterious) and/or completely conserved position in appropriate species;Insufficient or conflicting evidence

Department of Pathology and Laboratory Medicine, Sinai Health System
Classification: Uncertain significance. Review status: no assertion criteria provided. Collection method: clinical testing. Allele origin: unknown. Affected: yes. Study: The Canadian Open Genetics Repository (COGR). Not counted in ClinVar's aggregate classification.
Comment: The NF1 p.V530I variant was identified in an individual with pheochromocytoma who was hypertensive but did not exhibit any Neurofibromatosis type 1 symptoms; the patient also had another variant in the SDHB gene which authors reported to be pathogenic (Sjursen_2013_PMID_23407919). The variant was identified in dbSNP (ID: rs145191978) and ClinVar (classified as uncertain significance by Ambry Genetics, Invitae and St. Jude Children's Research Hospital Clinical Genomics Lab, andas likely benign by GeneDx). The variant was identified in control databases in 21 of 282376 chromosomes at a frequency of 0.00007437 (Genome Aggregation Database March 6, 2019, v2.1.1). The variant was observed in the following populations: European (non-Finnish) in 19 of 128982 chromosomes (freq: 0.000147), Other in 1 of 7214 chromosomes (freq: 0.000139) and African in 1 of 24882 chromosomes (freq: 0.00004), but was not observed in the Latino, Ashkenazi Jewish, East Asian, European (Finnish), or South Asian populations. The p.V530 residue is conserved in mammals and computational analyses (PolyPhen-2, SIFT, AlignGVGD, BLOSUM, MutationTaster) provide inconsistent predictions regarding the impact to the protein; this information is not very predictive of pathogenicity. The variant occurs outside of the splicing consensus sequence and in silico or computational prediction software programs (SpliceSiteFinder, MaxEntScan, NNSPLICE, GeneSplicer) do not predict a difference in splicing. In summary, based on the above information the clinical significance of this variant cannot be determined with certainty at this time. This variant is classified as a variant of uncertain significance.

Literature cited by the submitters: PubMed 10678181 (cited by Women's Health and Genetics/Laboratory Corporation of America, LabCorp); PubMed 23460398 (cited by Women's Health and Genetics/Laboratory Corporation of America, LabCorp); PubMed 29872168 (cited by Women's Health and Genetics/Laboratory Corporation of America, LabCorp); PubMed 27069254 (cited by Women's Health and Genetics/Laboratory Corporation of America, LabCorp); PubMed 23407919 (cited by 3 submitters); PubMed 33471991 (cited by Sema4).